The following is an entry in ClinVar:

ClinVar aggregate classification (germline): Uncertain significance (1 of 4 stars; one submission).

Submission:

Ambry Genetics
Classification: Uncertain significance. Last evaluated: 2021-09-07. Review status: criteria provided, single submitter. Criteria: Ambry Variant Classification Scheme 2023. Collection method: clinical testing. Allele origin: germline.
Comment: The p.K47* variant (also known as c.139A>T), located in coding exon 2 of the RECQL gene, results from an A to T substitution at nucleotide position 139. This changes the amino acid from a lysine to a stop codon within coding exon 2. This alteration is expected to result in premature protein truncation or nonsense-mediated mRNA decay. However, the gene-disease association for RECQL is limited. Since supporting evidence is limited at this time, the clinical significance of this alteration remains unclear.

NM_002907.4(RECQL):c.139A>T (p.Lys47Ter)

Gene: RECQL (RecQ like helicase; minus strand). Cytogenetic location: 12p12.1.
Variant type: single nucleotide variant.
Coding change: c.139A>T on transcript NM_002907.4 (MANE Select); coding-DNA position 139, A replaced by T.
Protein change: p.Lys47Ter; replaces lysine 47 with a stop codon.
Molecular consequence: nonsense.
Genome position (GRCh38, 1-based): chr12:21,491,594, T>A on the plus strand (A>T on the coding strand, the complement: RECQL is on the minus strand). VCF-style: chr12-21491594-T-A. GRCh37 (hg19) VCF-style: chr12-21644528-T-A.
Other names: c.139A>T, p.Lys47Ter (NM_032941.3); short protein forms K47*.
Identifiers: ClinVar variation 1771716 (VCV001771716.2), dbSNP rs2540404978, ClinGen allele CA384134446.